The following is an entry in ClinVar:

ClinVar aggregate classification (germline): Uncertain significance. Review status: criteria provided, multiple submitters, no conflicts (2 of 4 stars). 2 submissions from 2 submitters: Uncertain significance (2). Last evaluated 2020-08-26.

Allele frequency attached by ClinVar (database versions not stated): gnomAD exomes 0.00001.
gnomAD v4.1: 6 of 1,205,322 alleles (0.0005%); highest among the groups gnomAD compares: Non-Finnish European, 0.00067%; no homozygotes.

Submissions (2):

Blueprint Genetics
Classification: Uncertain significance. Last evaluated: 2020-08-26. Review status: criteria provided, single submitter. Criteria: ACMG Guidelines, 2015. Collection method: clinical testing. Allele origin: germline.

Labcorp Genetics (formerly Invitae), Labcorp
Classification: Uncertain significance. Last evaluated: 2020-06-11. Review status: criteria provided, single submitter. Criteria: Invitae Variant Classification Sherloc (09022015). Collection method: clinical testing. Allele origin: germline.
Comment: This sequence change replaces glycine with valine at codon 905 of the CACNA1F protein (p.Gly905Val). The glycine residue is highly conserved and there is a moderate physicochemical difference between glycine and valine. In summary, the available evidence is currently insufficient to determine the role of this variant in disease. Therefore, it has been classified as a Variant of Uncertain Significance. Algorithms developed to predict the effect of missense changes on protein structure and function are either unavailable or do not agree on the potential impact of this missense change (SIFT: "Deleterious"; PolyPhen-2: "Possibly Damaging"; Align-GVGD: "Class C0"). This variant has not been reported in the literature in individuals with CACNA1F-related conditions. This variant is not present in population databases (ExAC no frequency).

NM_001256789.3(CACNA1F):c.2681G>T (p.Gly894Val)

Gene: CACNA1F (calcium voltage-gated channel subunit alpha1 F; minus strand). Cytogenetic location: Xp11.23.
Variant type: single nucleotide variant.
Coding change: c.2681G>T on transcript NM_001256789.3 (MANE Select); coding-DNA position 2681, G replaced by T.
Protein change: p.Gly894Val; replaces glycine 894 with valine.
Molecular consequence: missense variant.
Genome position (GRCh38, 1-based): chrX:49,218,934, C>A on the plus strand (G>T on the coding strand, the complement: CACNA1F is on the minus strand). VCF-style: chrX-49218934-C-A. GRCh37 (hg19) VCF-style: chrX-49075393-C-A.
Other names: c.2519G>T, p.Gly840Val (NM_001256790.3); c.2714G>T, p.Gly905Val (NM_005183.4); short protein forms G840V, G894V, G905V.
Identifiers: ClinVar variation 1025449 (VCV001025449.9), dbSNP rs2065747069, ClinGen allele CA412965127.